The following is an entry in ClinVar:

NM_001194.4(HCN2):c.2430_2436del (p.Ala810_Arg811insTer)

Gene: HCN2 (hyperpolarization activated cyclic nucleotide gated potassium and sodium channel 2; plus strand). Cytogenetic location: 19p13.3.
Variant type: Deletion.
Coding change: c.2430_2436del on transcript NM_001194.4 (MANE Select); coding-DNA positions 2430 to 2436, 7 bases deleted (GCGCCGC; older notation c.2430_2436delGCGCCGC).
Protein change: p.Ala810_Arg811insTer.
Molecular consequence: frameshift variant.
Genome position (GRCh38, 1-based): chr19:616,234-616,240, GCGCCGC deleted; deleting any 7 consecutive bases within chr19:616,230-616,240 gives the same sequence; the c. name uses the placement nearest the transcript's 3' end. VCF-style (leftmost placement, unchanged base first): chr19-616229-CCCGCGCG-C. GRCh37 (hg19) VCF-style: chr19-616229-CCCGCGCG-C.
Identifiers: ClinVar variation 5017438 (VCV005017438.1).

ClinVar aggregate classification (germline): Uncertain significance (1 of 4 stars; one submission).

Submission:

GeneDx
Classification: Uncertain significance. Last evaluated: 2026-03-27. Review status: criteria provided, single submitter. Criteria: GeneDx Variant Classification Process June 2021. Collection method: clinical testing. Allele origin: germline.
Comment: Not observed at significant frequency in large population cohorts (gnomAD); Nonsense variant predicted to result in protein truncation as the last 79 amino acid(s) are lost; Has not been previously published as pathogenic or benign to our knowledge